The following is an entry in ClinVar:

ClinVar aggregate classification (germline): Likely benign. Review status: criteria provided, multiple submitters, no conflicts (2 of 4 stars). 3 submissions from 3 submitters: Likely benign (3). Last evaluated 2025-10-23.

Conditions:
Brugada syndrome 8 (BRGDA8). Identifiers: Orphanet 130, MedGen C2751083, MONDO:0013148, OMIM 613123.
Cardiovascular phenotype. Identifiers: MedGen CN230736.

Allele frequency attached by ClinVar (database versions not stated): gnomAD 0.00001; TOPMed 0.00001; gnomAD exomes 0.00002.
gnomAD v4.1: 24 of 1,557,338 alleles (0.0015%); highest among the groups gnomAD compares: Non-Finnish European, 0.0019%; no homozygotes.

Submissions (3):

Labcorp Genetics (formerly Invitae), Labcorp
Classification: Likely benign for Brugada syndrome 8. Last evaluated: 2025-10-23. Review status: criteria provided, single submitter. Criteria: Invitae Variant Classification Sherloc (09022015). Collection method: clinical testing. Allele origin: germline.

Mayo Clinic Laboratories, Mayo Clinic
Classification: Likely benign. Last evaluated: 2025-03-19. Review status: criteria provided, single submitter. Criteria: ACMG Guidelines, 2015. Collection method: clinical testing. Allele origin: germline. Observed: 1 variant allele.
Comment: BP4, BP7

Ambry Genetics
Classification: Likely benign for Cardiovascular phenotype. Last evaluated: 2019-09-08. Review status: criteria provided, single submitter. Criteria: Ambry Variant Classification Scheme 2023. Collection method: clinical testing. Allele origin: germline.

NM_005477.3(HCN4):c.516G>A (p.Pro172=)

Gene: HCN4 (hyperpolarization activated cyclic nucleotide gated potassium channel 4; minus strand). Cytogenetic location: 15q24.1.
Variant type: single nucleotide variant.
Coding change: c.516G>A on transcript NM_005477.3 (MANE Select); coding-DNA position 516, G replaced by A.
Protein change: p.Pro172=; no amino-acid change (proline 172 retained).
Molecular consequence: synonymous variant.
Genome position (GRCh38, 1-based): chr15:73,367,755, C>T on the plus strand (G>A on the coding strand, the complement: HCN4 is on the minus strand). VCF-style: chr15-73367755-C-T. GRCh37 (hg19) VCF-style: chr15-73660096-C-T.
Other names: p.Pro172=.
Identifiers: ClinVar variation 701327 (VCV000701327.11), dbSNP rs772278008, ClinGen allele CA7649470.
Genomic context (GRCh38, chr15:73,367,755, plus strand): 5'-TCCCTCCACTTTGATAGCGGTGTCCACCGAGGGCTGCTCGCAGGAGGCGGAGGCCGGCTG[C>T]GGTGGCTGCTGGGGCGGCGGCGGCGAGGCTGCGGGCTGCGCCGAGGCGCCGGGGCGCTCG-3'
Protein context (NP_005468.1, residues 162-182): AASPPPPQQP[Pro172=]QPASASCEQP